The following is an entry in ClinVar:

NM_015443.4(KANSL1):c.*2C>T

Gene: KANSL1 (KAT8 regulatory NSL complex subunit 1). Cytogenetic location: 17q21.31.
Variant type: single nucleotide variant.
Coding change: c.*2C>T on transcript NM_015443.4 (MANE Select); 2 bases downstream of the stop codon, C replaced by T.
Molecular consequence: 3 prime UTR variant.
Genome position (GRCh38, 1-based): chr17:46,031,474, G>A on the plus strand (C>T on the coding strand, the complement: KANSL1 is on the minus strand). VCF-style: chr17-46031474-G-A. GRCh37 (hg19) VCF-style: chr17-44108840-G-A.
Other names: c.*2C>T (NM_001193465.2, NM_001193466.2, NM_001379198.1).
Identifiers: ClinVar variation 391464 (VCV000391464.1), dbSNP rs774194245, ClinGen allele CA8618320.
Genomic context (GRCh38, chr17:46,031,474, plus strand): 5'-CAGAGATTTCTGAAGCTTTAATGCCAATAGTTAGTGAGTCTGTTTAGATGGCTGTCTCCC[G>A]CTCATCTGTGAGTCGGGCGCTGAGCTGTGGCTGCTGCCACCAGATGCCGACTCTTGAGGG-3'

ClinVar aggregate classification (germline): Likely benign (1 of 4 stars; one submission).

Allele frequency attached by ClinVar (database versions not stated): gnomAD exomes 0.00001 and 0.00003; ExAC 0.00002; gnomAD 0.00002 and 0.00003; TOPMed 0.00003.

Submission:

GeneDx
Classification: Likely benign. Last evaluated: 2016-12-02. Review status: criteria provided, single submitter. Criteria: GeneDx Variant Classification (06012015). Collection method: clinical testing. Allele origin: germline. Affected: yes.
Comment: This variant is considered likely benign or benign based on one or more of the following criteria: it is a conservative change, it occurs at a poorly conserved position in the protein, it is predicted to be benign by multiple in silico algorithms, and/or has population frequency not consistent with disease.